The following is an entry in ClinVar:

ClinVar aggregate classification (germline): Uncertain significance (1 of 4 stars; one submission).

Allele frequency attached by ClinVar (database versions not stated): gnomAD exomes 0.00001; ExAC 0.00002; TOPMed 0.00002.
gnomAD v4.1: 7 of 1,613,320 alleles (0.00043%); highest among the groups gnomAD compares: South Asian, 0.0011%; no homozygotes.

Submission:

Labcorp Genetics (formerly Invitae), Labcorp
Classification: Uncertain significance. Last evaluated: 2020-09-24. Review status: criteria provided, single submitter. Criteria: Invitae Variant Classification Sherloc (09022015). Collection method: clinical testing. Allele origin: germline.
Comment: In summary, the available evidence is currently insufficient to determine the role of this variant in disease. Therefore, it has been classified as a Variant of Uncertain Significance. Algorithms developed to predict the effect of missense changes on protein structure and function are either unavailable or do not agree on the potential impact of this missense change (SIFT: "Tolerated"; PolyPhen-2: "Probably Damaging"; Align-GVGD: "Class C0"). This variant has not been reported in the literature in individuals with NEDD4L-related conditions. This variant is present in population databases (rs748722766, ExAC 0.003%). This sequence change replaces arginine with glutamine at codon 613 of the NEDD4L protein (p.Arg613Gln). The arginine residue is highly conserved and there is a small physicochemical difference between arginine and glutamine.

NM_001144967.3(NEDD4L):c.1898G>A (p.Arg633Gln)

Gene: NEDD4L (NEDD4 like E3 ubiquitin protein ligase; plus strand). Cytogenetic location: 18q21.31.
Variant type: single nucleotide variant.
Coding change: c.1898G>A on transcript NM_001144967.3 (MANE Select); coding-DNA position 1898, G replaced by A.
Protein change: p.Arg633Gln; replaces arginine 633 with glutamine.
Molecular consequence: missense variant.
Genome position (GRCh38, 1-based): chr18:58,366,063, G>A. VCF-style: chr18-58366063-G-A. GRCh37 (hg19) VCF-style: chr18-56033295-G-A.
Other names: c.1535G>A, p.Arg512Gln (NM_001144964.1, NM_001144965.2, NM_001144966.3); c.1874G>A, p.Arg625Gln (NM_001144968.2); c.1814G>A, p.Arg605Gln (NM_001144969.2); c.1475G>A, p.Arg492Gln (NM_001144970.3, NM_001144971.2); c.1706G>A, p.Arg569Gln (NM_001243960.2); c.1838G>A, p.Arg613Gln (NM_015277.6); short protein forms R492Q, R512Q, R569Q, R605Q, R613Q, R625Q, R633Q.
Identifiers: ClinVar variation 1052584 (VCV001052584.9), dbSNP rs748722766, ClinGen allele CA8975844.
Genomic context (GRCh38, chr18:58,366,063, plus strand): 5'-ATATCCCCAATAGGTTTGAAATGAAACTTCACAGAAATAACATATTTGAAGAGTCCTATC[G>A]GAGAATTATGTCCGTGAAAAGACCAGATGTCCTAAAAGCTAGACTGTGGATTGAGTTTGA-3'
Protein context (NP_001138439.1, residues 623-643): HRNNIFEESY[Arg633Gln]RIMSVKRPDV